The following is an entry in ClinVar:

ClinVar aggregate classification (germline): Pathogenic (1 of 4 stars; one submission).

Conditions:
Cardiovascular phenotype. Identifiers: MedGen CN230736.
Hereditary cancer-predisposing syndrome. Also called: Neoplastic Syndromes, Hereditary; Tumor predisposition; Hereditary neoplastic syndrome; Hereditary Cancer Syndrome. Identifiers: Orphanet 140162, MedGen C0027672, MeSH D009386, MONDO:0015356.

Submission:

Ambry Genetics
Classification: Pathogenic for Cardiovascular phenotype; Hereditary cancer-predisposing syndrome. Last evaluated: 2026-06-23. Review status: criteria provided, single submitter. Criteria: Ambry Variant Classification Scheme 2023. Collection method: clinical testing. Allele origin: germline.
Comment: The c.6792_6793delCAinsAT pathogenic mutation, located in coding exon 45 of the NF1 gene, results from a deletion of CA and insertion of AT at nucleotide positions 6792 to 6793. This results in the substitution of the residue for a residue at codon 2264 and introduces a stop codon within coding exon 45 (p.Y2264_N2265delins*Y). This variant is considered to be rare based on population cohorts in the Genome Aggregation Database (gnomAD). This variant is expected to result in loss of function by premature protein truncation or nonsense-mediated mRNA decay. As such, this variant is interpreted as a disease-causing mutation.

NM_001042492.3(NF1):c.6855_6856delinsAT (p.Tyr2285_Asn2286delinsTer)

Gene: NF1 (neurofibromin 1; plus strand). Cytogenetic location: 17q11.2.
Variant type: Indel.
Coding change: c.6855_6856delinsAT on transcript NM_001042492.3 (MANE Select); coding-DNA positions 6855 to 6856, CA replaced by AT.
Protein change: p.Tyr2285_Asn2286delinsTer.
Molecular consequence: nonsense.
Genome position (GRCh38, 1-based): chr17:31,338,739-31,338,740, CA replaced by AT. VCF-style: chr17-31338739-CA-AT. GRCh37 (hg19) VCF-style: chr17-29665757-CA-AT.
Other names: c.6792_6793delinsAT, p.Tyr2264_Asn2265delinsTer (NM_000267.4); short protein forms Y2264*, Y2285*.
Identifiers: ClinVar variation 5025531 (VCV005025531.1).
Genomic context (GRCh38, chr17:31,338,739, plus strand): 5'-ATAAAAAATTCTGTTTTCCTAAAAGGCACTTGAGAGTTGCTTAAAAGGACCTGACACTTA[CA>AT]ACAGTCAAGTTCTGATAGAAGCTACAGTAATAGCACTAACCAAATTACAGCCACTTCTTA-3'